The following is an entry in ClinVar:

ClinVar aggregate classification (germline): Uncertain significance (1 of 4 stars; one submission).

Allele frequency attached by ClinVar (database versions not stated): gnomAD exomes below 0.00001.
gnomAD v4.1: 1 of 1,605,590 alleles (0.000062%); highest among the groups gnomAD compares: Middle Eastern, 0.017%; no homozygotes.

Submission:

Labcorp Genetics (formerly Invitae), Labcorp
Classification: Uncertain significance. Last evaluated: 2022-01-15. Review status: criteria provided, single submitter. Criteria: Invitae Variant Classification Sherloc (09022015). Collection method: clinical testing. Allele origin: germline.
Comment: Algorithms developed to predict the effect of sequence changes on RNA splicing suggest that this variant may create or strengthen a splice site. Algorithms developed to predict the effect of missense changes on protein structure and function (SIFT, PolyPhen-2, Align-GVGD) all suggest that this variant is likely to be disruptive. This variant has not been reported in the literature in individuals affected with WDR11-related conditions. This sequence change replaces aspartic acid, which is acidic and polar, with glycine, which is neutral and non-polar, at codon 567 of the WDR11 protein (p.Asp567Gly). This variant is not present in population databases (gnomAD no frequency). In summary, the available evidence is currently insufficient to determine the role of this variant in disease. Therefore, it has been classified as a Variant of Uncertain Significance.

NM_018117.12(WDR11):c.1700A>G (p.Asp567Gly)

Gene: WDR11 (WD repeat domain 11; plus strand). Cytogenetic location: 10q26.12.
Variant type: single nucleotide variant.
Coding change: c.1700A>G on transcript NM_018117.12 (MANE Select); coding-DNA position 1700, A replaced by G.
Protein change: p.Asp567Gly; replaces aspartic acid 567 with glycine.
Molecular consequence: missense variant.
Genome position (GRCh38, 1-based): chr10:120,880,862, A>G. VCF-style: chr10-120880862-A-G. GRCh37 (hg19) VCF-style: chr10-122640374-A-G.
Other names: short protein forms D567G.
Identifiers: ClinVar variation 1364890 (VCV001364890.8), dbSNP rs2133775037, ClinGen allele CA378326829.